The following is an entry in ClinVar:

NM_014915.3(ANKRD26):c.4353A>G (p.Lys1451=)

Gene: ANKRD26 (ankyrin repeat domain 26; minus strand). Cytogenetic location: 10p12.1.
Variant type: single nucleotide variant.
Coding change: c.4353A>G on transcript NM_014915.3 (MANE Select); coding-DNA position 4353, A replaced by G.
Protein change: p.Lys1451=; no amino-acid change (lysine 1451 retained).
Molecular consequence: synonymous variant.
Genome position (GRCh38, 1-based): chr10:27,017,655, T>C on the plus strand (A>G on the coding strand, the complement: ANKRD26 is on the minus strand). VCF-style: chr10-27017655-T-C. GRCh37 (hg19) VCF-style: chr10-27306584-T-C.
Other names: c.4350A>G, p.Lys1450= (NM_001256053.2).
Identifiers: ClinVar variation 3396972 (VCV003396972.2).
Genomic context (GRCh38, chr10:27,017,655, plus strand): 5'-TTCTACCATATTCCTTTCTATATGACTTCTCAGGTTGATCACTTCTTGTTCCAACTTCTT[T>C]TTATTCTTCTGTAGTTTTTCACATTTCTTTTGTACTGTTTTCATAGATAACAACTCCTCT-3'
Protein context (NP_055730.2, residues 1441-1461): QKKCEKLQKN[Lys1451=]KKLEQEVINL

ClinVar aggregate classification (germline): Likely benign. Review status: criteria provided, multiple submitters, no conflicts (2 of 4 stars). 2 submissions from 2 submitters: Likely benign (2). Last evaluated 2026-05-08.

Conditions:
Inborn genetic diseases. Identifiers: MedGen C0950123, MeSH D030342.
ANKRD26-related disorder. Also called: ANKRD26-related condition.

gnomAD v4.1: 1 of 1,613,664 alleles (0.000062%); highest among the groups gnomAD compares: Non-Finnish European, 0.000085%; no homozygotes.

Submissions (2):

PreventionGenetics, part of Exact Sciences
Classification: Likely benign for ANKRD26-related condition. Last evaluated: 2026-05-08. Review status: criteria provided, single submitter. Criteria: ACMG Guidelines, 2015. Collection method: clinical testing. Allele origin: germline.
Comment: This variant is classified as likely benign based on ACMG/AMP sequence variant interpretation guidelines (Richards et al. 2015 PMID: 25741868, with internal and published modifications).

Ambry Genetics
Classification: Likely benign for Inborn genetic diseases. Last evaluated: 2024-11-30. Review status: criteria provided, single submitter. Criteria: Ambry Variant Classification Scheme 2023. Collection method: clinical testing. Allele origin: germline.